The following is an entry in ClinVar:

ClinVar aggregate classification (germline): Conflicting classifications of pathogenicity. Review status: criteria provided, conflicting classifications (1 of 4 stars). 11 submissions from 11 submitters: Uncertain significance (1); Benign (1); Likely benign (9). Last evaluated 2026-09-01.

Conditions:
PRKAG2-related disorder. Also called: PRKAG2-related disorders; PRKAG2-related condition.
Cardiovascular phenotype. Identifiers: MedGen CN230736.
Cardiomyopathy (CMYO). Also called: Cardiomyopathies. Identifiers: Orphanet 167848, MedGen C0878544, MONDO:0004994, HP:0001638. Inheritance: Various modes of inheritance.
Lethal congenital glycogen storage disease of heart. Also called: GLYCOGEN STORAGE DISEASE OF HEART; PHOSPHORYLASE KINASE DEFICIENCY OF HEART. Identifiers: Orphanet 439854, MedGen C1849813, MONDO:0009867, OMIM 261740.

Allele frequency attached by ClinVar (database versions not stated): gnomAD exomes 0.00036; TOPMed 0.00033; gnomAD 0.00034 and 0.00036; ExAC 0.00020.
gnomAD v4.1: 232 of 1,613,078 alleles (0.014%); highest among the groups gnomAD compares: Admixed American, 0.2%; no homozygotes.

Submissions (11):

CeGaT Center for Human Genetics Tuebingen
Classification: Likely benign. Last evaluated: 2026-09-01. Review status: criteria provided, single submitter. Criteria: CeGaT Center For Human Genetics Tuebingen Variant Classification Criteria Version 2. Collection method: clinical testing. Allele origin: germline. Affected: yes. Observed: 4 variant alleles.
Comment: PRKAG2: BP4, BS1

Labcorp Genetics (formerly Invitae), Labcorp
Classification: Likely benign for Lethal congenital glycogen storage disease of heart. Last evaluated: 2026-02-03. Review status: criteria provided, single submitter. Criteria: Invitae Variant Classification Sherloc (09022015). Collection method: clinical testing. Allele origin: germline.

PreventionGenetics, part of Exact Sciences
Classification: Likely benign for PRKAG2-related condition. Last evaluated: 2025-10-09. Review status: criteria provided, single submitter. Criteria: ACMG Guidelines, 2015. Collection method: clinical testing. Allele origin: germline.
Comment: This variant is classified as likely benign based on ACMG/AMP sequence variant interpretation guidelines (Richards et al. 2015 PMID: 25741868, with internal and published modifications).

Molecular Diagnostic Laboratory for Inherited Cardiovascular Disease, Montreal Heart Institute
Classification: Likely benign. Last evaluated: 2025-04-09. Review status: criteria provided, single submitter. Criteria: ACMG Guidelines, 2015. Collection method: clinical testing. Allele origin: germline. Affected: no.

Women's Health and Genetics/Laboratory Corporation of America, LabCorp
Classification: Likely benign. Last evaluated: 2024-12-20. Review status: criteria provided, single submitter. Criteria: LabCorp Variant Classification Summary - May 2015. Collection method: clinical testing. Allele origin: germline.

Blueprint Genetics
Classification: Likely benign. Last evaluated: 2024-10-07. Review status: criteria provided, single submitter. Criteria: ACMG Guidelines, 2015. Collection method: clinical testing. Allele origin: germline.

CHEO Genetics Diagnostic Laboratory, Children's Hospital of Eastern Ontario
Classification: Benign for Cardiomyopathy. Last evaluated: 2020-11-19. Review status: criteria provided, single submitter. Criteria: ACMG Guidelines, 2015. Collection method: clinical testing. Allele origin: germline.

GeneDx
Classification: Likely benign. Last evaluated: 2020-05-13. Review status: criteria provided, single submitter. Criteria: GeneDx Variant Classification Process June 2021. Collection method: clinical testing. Allele origin: germline. Affected: yes.

Color Diagnostics, LLC DBA Color Health
Classification: Likely benign for Cardiomyopathy. Last evaluated: 2018-10-29. Review status: criteria provided, single submitter. Criteria: ACMG Guidelines, 2015. Collection method: clinical testing. Allele origin: germline.

Ambry Genetics
Classification: Likely benign for Cardiovascular phenotype. Last evaluated: 2018-09-20. Review status: criteria provided, single submitter. Criteria: Ambry Variant Classification Scheme 2023. Collection method: clinical testing. Allele origin: germline.

Laboratory for Molecular Medicine, Mass General Brigham Personalized Medicine
Classification: Uncertain significance. Last evaluated: 2012-12-11. Review status: criteria provided, single submitter. Criteria: LMM Criteria. Collection method: clinical testing. Allele origin: germline. Observed: 4 variant alleles.
Comment: Variant classified as Uncertain Significance - Favor Benign. The Arg84Gln varian t in PRKAG2 has not been reported in the literature, but has been identified in 2 Caucasian individuals with HCM tested by our laboratory, one of which carried a second pathogenic variant sufficient to explain disease. Arginine (Arg) at pos ition 84 is not completely conserved in mammals and several species (elephant, r ock hyrax, and tenrec) carry a glutamine (Gln; this variant), supporting that th is change may be tolerated. Additional computational analyses (biochemical amino acid properties, AlignGVGD, PolyPhen2, and SIFT) also suggest that this variant may not impact the protein, though this information is not predictive enough to rule out pathogenicity. Finally, this variant is outside the CBS domain (residu es 277-555) where all pathogenic PRKAG2 variants identified to date are located. In summary, the available information on the Arg84Gln variant supports that it may be benign, but additional studies are needed to fully assess its clinical si gnificance.

Literature cited by the submitters: PubMed 27532257 (cited by Ambry Genetics); PubMed 28771489 (cited by Ambry Genetics).

NM_016203.4(PRKAG2):c.251G>A (p.Arg84Gln)

Gene: PRKAG2 (protein kinase AMP-activated non-catalytic subunit gamma 2; minus strand). Cytogenetic location: 7q36.1.
Variant type: single nucleotide variant.
Coding change: c.251G>A on transcript NM_016203.4 (MANE Select); coding-DNA position 251, G replaced by A.
Protein change: p.Arg84Gln; replaces arginine 84 with glutamine.
Molecular consequence: missense variant.
Genome position (GRCh38, 1-based): chr7:151,781,367, C>T on the plus strand (G>A on the coding strand, the complement: PRKAG2 is on the minus strand). VCF-style: chr7-151781367-C-T. GRCh37 (hg19) VCF-style: chr7-151478453-C-T.
Other names: p.R84Q:CGG>CAG; c.119G>A, p.Arg40Gln (NM_001040633.2); short protein forms R84Q, R40Q.
Identifiers: ClinVar variation 45712 (VCV000045712.31), dbSNP rs201953758, ClinGen allele CA014088.
Genomic context (GRCh38, chr7:151,781,367, plus strand): 5'-GTTTTGGGAGAGCCGGGGCTGGTCTTGGGCCTCACAGGTGCAGACATGGGGCTGGAGGGC[C>T]GGGGCTGGGGGCCTCTGGAGAAGAACCCTTTGGAGGGGCTGCCCGGGCCGAAGGGGCTGT-3'
Protein context (NP_057287.2, residues 74-94): KGFFSRGPQP[Arg84Gln]PSSPMSAPVR